The following is an entry in ClinVar:

ClinVar aggregate classification (germline): Conflicting classifications of pathogenicity. Review status: criteria provided, conflicting classifications (1 of 4 stars). 2 submissions from 2 submitters: Uncertain significance (1); Likely benign (1). Last evaluated 2023-08-08.

Conditions:
Hereditary cancer-predisposing syndrome. Also called: Tumor predisposition; Hereditary Cancer Syndrome; Neoplastic Syndromes, Hereditary; Hereditary neoplastic syndrome. Identifiers: Orphanet 140162, MedGen C0027672, MeSH D009386, MONDO:0015356.
Classic or attenuated familial adenomatous polyposis. Identifiers: MedGen CN372698, MONDO:0021057.

gnomAD v4.1: 1 of 1,614,092 alleles (0.000062%); highest among the groups gnomAD compares: Non-Finnish European, 0.000085%; no homozygotes.

Submissions (2):

All of Us Research Program, National Institutes of Health
Classification: Likely benign for Classic or attenuated familial adenomatous polyposis. Last evaluated: 2023-08-08. Review status: criteria provided, single submitter. Criteria: ACMG Guidelines, 2015. Collection method: clinical testing. Allele origin: germline. Inheritance: Autosomal dominant inheritance. Observed: 4 variant alleles, 4 heterozygotes.
Comment: This study involves interpretation of variants in research participants for the purpose of population health screening. Participant phenotype was not available at the time of variant classification. Additional details can be found in publication PMID: 35346344, PMCID: PMC8962531

Ambry Genetics
Classification: Uncertain significance for Hereditary cancer-predisposing syndrome. Last evaluated: 2019-09-23. Review status: criteria provided, single submitter. Criteria: Ambry Variant Classification Scheme 2023. Collection method: clinical testing. Allele origin: germline.
Comment: The p.A952G variant (also known as c.2855C>G), located in coding exon 15 of the APC gene, results from a C to G substitution at nucleotide position 2855. The alanine at codon 952 is replaced by glycine, an amino acid with similar properties. This amino acid position is poorly conserved in available vertebrate species. In addition, in silico predictors for this gene do not accurately predict pathogenicity. Since supporting evidence is limited at this time, the clinical significance of this alteration remains unclear.

NM_000038.6(APC):c.2855C>G (p.Ala952Gly)

Gene: APC (APC regulator of Wnt signaling pathway; plus strand). Cytogenetic location: 5q22.2.
Variant type: single nucleotide variant.
Coding change: c.2855C>G on transcript NM_000038.6 (MANE Select); coding-DNA position 2855, C replaced by G.
Protein change: p.Ala952Gly; replaces alanine 952 with glycine.
Molecular consequence: missense variant.
Genome position (GRCh38, 1-based): chr5:112,838,449, C>G. VCF-style: chr5-112838449-C-G. GRCh37 (hg19) VCF-style: chr5-112174146-C-G.
Other names: c.2855C>G, p.Ala952Gly (NM_001127510.3, NM_001354895.2); c.2801C>G, p.Ala934Gly (NM_001127511.3); c.2909C>G, p.Ala970Gly (NM_001354896.2); c.2885C>G, p.Ala962Gly (NM_001354897.2); c.2780C>G, p.Ala927Gly (NM_001354898.2); c.2771C>G, p.Ala924Gly (NM_001354899.2); c.2732C>G, p.Ala911Gly (NM_001354900.2); c.2678C>G, p.Ala893Gly (NM_001354901.2); and 5 more; short protein forms A851G, A927G, A792G, A669G, A826G, A861G, A911G, A952G.
Identifiers: ClinVar variation 821891 (VCV000821891.5), dbSNP rs776560257, ClinGen allele CA16027558.
Genomic context (GRCh38, chr5:112,838,449, plus strand): 5'-CAAACACTTACAATTTCACTAAGTCGGAAAATTCAAATAGGACATGTTCTATGCCTTATG[C>G]CAAATTAGAATACAAGAGATCTTCAAATGATAGTTTAAATAGTGTCAGTAGTAGTGATGG-3'
Protein context (NP_000029.2, residues 942-962): NSNRTCSMPY[Ala952Gly]KLEYKRSSND